The following continues an entry in ClinVar:

NM_024675.4(PALB2):c.212-2A>G

Gene: PALB2. ClinVar aggregate classification (germline): Conflicting classifications of pathogenicity. Pathogenic (5); Likely pathogenic (5); Uncertain significance (2); Likely benign (1).

Submissions 8 to 15 of 15:

Women's Health and Genetics/Laboratory Corporation of America, LabCorp
Classification: Pathogenic for Hereditary breast ovarian cancer syndrome. Last evaluated: 2024-10-31. Review status: criteria provided, single submitter. Criteria: LabCorp Variant Classification Summary - May 2015. Collection method: clinical testing. Allele origin: germline.
Comment: Variant summary: PALB2 c.212-2A>G is located in a canonical splice-site and is predicted to affect mRNA splicing resulting in a significantly altered protein due to either exon skipping, shortening, or inclusion of intronic material. Variants that disrupt the consensus splice site are a relatively common cause of aberrant splicing and loss of PALB2 function. Several computational tools predict a significant impact on normal splicing: All predict the variant abolishes the canonical 3' acceptor site. At least one publication reports experimental evidence that disruption of this splice site induces altered splicing and may result in an absent or disrupted protein product (PMID 30890586). The variant allele was found at a frequency of 4.5e-06 in 221342 control chromosomes. c.212-2A>G has been reported in the literature in at-least two individuals affected with Hereditary Breast And Ovarian Cancer Syndrome (Susswein_2015, Espinel_2022). These data indicate that the variant may be associated with disease. The following publications have been ascertained in the context of this evaluation (PMID: 35626031, 26681312, Internal data). ClinVar contains an entry for this variant (Variation ID: 182757). Based on the evidence outlined above, the variant was classified as pathogenic.

Baylor Genetics
Classification: Pathogenic for Familial cancer of breast. Last evaluated: 2023-12-01. Review status: criteria provided, single submitter. Criteria: ACMG Guidelines, 2015. Collection method: clinical testing. Allele origin: unknown. Study: CSER-TexasKidsCanSeq.

AiLife Diagnostics
Classification: Likely pathogenic. Last evaluated: 2022-03-30. Review status: criteria provided, single submitter. Criteria: ACMG Guidelines, 2015. Collection method: clinical testing. Allele origin: germline. Affected: yes. Observed: 1 variant allele.

Quest Diagnostics Nichols Institute San Juan Capistrano
Classification: Pathogenic. Last evaluated: 2021-08-26. Review status: criteria provided, single submitter. Criteria: Quest Diagnostics criteria. Collection method: clinical testing. Allele origin: unknown.
Comment: This test has identified one copy of the c.212-2A>G variant in the PALB2 gene. This variant is located in a canonical splice-acceptor site and interferes with normal PALB2 mRNA splicing. The variant has been reported in an individual with breast cancer in the published literature (PMID: 26681312 (2015)). Based on the available information, this variant is classified as pathogenic.

Fulgent Genetics
Classification: Likely pathogenic for Familial cancer of breast; Fanconi anemia complementation group N; Pancreatic cancer, susceptibility to, 3. Last evaluated: 2021-08-05. Review status: criteria provided, single submitter. Criteria: ACMG Guidelines, 2015. Collection method: clinical testing. Allele origin: unknown.

Revvity Omics, Revvity
Classification: Pathogenic. Last evaluated: 2019-02-10. Review status: criteria provided, single submitter. Criteria: ACMG Guidelines, 2015. Collection method: clinical testing. Allele origin: germline.

Counsyl
Classification: Likely pathogenic for Familial cancer of breast. Last evaluated: 2015-08-17. Review status: no assertion criteria provided. Collection method: clinical testing. Allele origin: unknown. Not counted in ClinVar's aggregate classification.

Dr. Peter K. Rogan Lab, Western University
No classification provided (evidence only). Condition: Uterine carcinosarcoma. Review status: no classification provided. Collection method: in vitro. Allele origin: not applicable. Functional consequence: retained intron. Not counted in ClinVar's aggregate classification.

Literature cited by the submitters: PubMed 26681312 (cited by 6 submitters); PubMed 30890586 (cited by 3 submitters); PubMed 17200672 (cited by Color Diagnostics, LLC DBA Color Health); PubMed 30661751 (cited by Color Diagnostics, LLC DBA Color Health); PubMed 35449021 (cited by Color Diagnostics, LLC DBA Color Health); PubMed 35626031 (cited by 3 submitters); PubMed 38061684 (cited by Color Diagnostics, LLC DBA Color Health); PubMed 25085752 (cited by Myriad Genetics, Inc.); PubMed 31589614 (cited by AiLife Diagnostics).